The following is an entry in ClinVar:

NC_000007.13:g.(?_107002458)_(107204434_?)del

Genes: COG5 (component of oligomeric golgi complex 5; minus strand), GPR22 (G protein-coupled receptor 22; plus strand), DUS4L (dihydrouridine synthase 4 like; plus strand). Cytogenetic location: 7q22.3.
Variant type: Deletion.
Identifiers: ClinVar variation 1460265 (VCV001460265.4).

ClinVar aggregate classification (germline): Pathogenic (1 of 4 stars; one submission).

Conditions:
COG5-congenital disorder of glycosylation. Also called: CDG IIi; COG5-CDG; CONGENITAL DISORDER OF GLYCOSYLATION, TYPE IIi. Identifiers: Orphanet 263487, MedGen C3150876, MONDO:0013325, OMIM 613612.

Submission:

Labcorp Genetics (formerly Invitae), Labcorp
Classification: Pathogenic for COG5-congenital disorder of glycosylation. Last evaluated: 2021-08-02. Review status: criteria provided, single submitter. Criteria: Invitae Variant Classification Sherloc (09022015). Collection method: clinical testing. Allele origin: germline.
Comment: For these reasons, this variant has been classified as Pathogenic. This variant has not been reported in the literature in individuals affected with COG5-related conditions. This variant is a gross deletion of the genomic region encompassing exon(s) 1-10 of the COG5 gene, which includes the initiator codon. The 5' end of this event is unknown as it extends beyond the assayed region for this gene and therefore may encompass additional genes. The 3' boundary is likely confined to intron 10 of the COG5 gene. It is expected to result in an absent or disrupted protein product. Loss-of-function variants in COG5 are known to be pathogenic (PMID: 23228021).

Literature cited by the submitters: PubMed 23228021.